The following is an entry in ClinVar:

ClinVar aggregate classification (germline): Uncertain significance (1 of 4 stars; one submission).

Conditions:
Arrhythmogenic cardiomyopathy with wooly hair and keratoderma. Also called: PALMOPLANTAR KERATODERMA WITH LEFT VENTRICULAR CARDIOMYOPATHY AND WOOLLY HAIR; Carvajal syndrome; Arrhythmogenic cardiomyopathy with woolly hair and keratoderma; Dilated cardiomyopathy with woolly hair and keratoderma. Identifiers: Orphanet 65282, MedGen C1854063, MONDO:0011581, OMIM 605676.
Arrhythmogenic right ventricular dysplasia 8 (ARVD8). Also called: Arrhythmogenic Right Ventricular Dysplasia/Cardiomyopathy 8; ARRHYTHMOGENIC RIGHT VENTRICULAR DYSPLASIA, FAMILIAL, 8; ARRHYTHMOGENIC RIGHT VENTRICULAR CARDIOMYOPATHY 8. Identifiers: MedGen C1843896, MONDO:0011831, OMIM 607450.

Submission:

Labcorp Genetics (formerly Invitae), Labcorp
Classification: Uncertain significance for Arrhythmogenic cardiomyopathy with wooly hair and keratoderma; Arrhythmogenic right ventricular dysplasia 8. Last evaluated: 2024-01-25. Review status: criteria provided, single submitter. Criteria: Invitae Variant Classification Sherloc (09022015). Collection method: clinical testing. Allele origin: germline.
Comment: This sequence change replaces valine, which is neutral and non-polar, with alanine, which is neutral and non-polar, at codon 2388 of the DSP protein (p.Val2388Ala). This variant is not present in population databases (gnomAD no frequency). This variant has not been reported in the literature in individuals affected with DSP-related conditions. An algorithm developed to predict the effect of missense changes on protein structure and function (PolyPhen-2) suggests that this variant is likely to be disruptive. In summary, the available evidence is currently insufficient to determine the role of this variant in disease. Therefore, it has been classified as a Variant of Uncertain Significance.

NM_004415.4(DSP):c.7163T>C (p.Val2388Ala)

Gene: DSP (desmoplakin; plus strand). Cytogenetic location: 6p24.3.
Variant type: single nucleotide variant.
Coding change: c.7163T>C on transcript NM_004415.4 (MANE Select); coding-DNA position 7163, T replaced by C.
Protein change: p.Val2388Ala; replaces valine 2388 with alanine.
Molecular consequence: missense variant.
Genome position (GRCh38, 1-based): chr6:7,584,425, T>C. VCF-style: chr6-7584425-T-C. GRCh37 (hg19) VCF-style: chr6-7584658-T-C.
Other names: c.5366T>C, p.Val1789Ala (NM_001008844.3); c.5834T>C, p.Val1945Ala (NM_001319034.2); short protein forms V1789A, V1945A, V2388A.
Identifiers: ClinVar variation 2933096 (VCV002933096.2), dbSNP rs2533944253, ClinGen allele CA362692375.
Genomic context (GRCh38, chr6:7,584,425, plus strand): 5'-TAGAAGCACAGATCGCAACCGGGGGGATCATTGACCCAAAGGAGAGCCATCGTTTACCAG[T>C]TGACATAGCATATAAGAGGGGCTATTTCAATGAGGAACTCAGTGAGATTCTCTCAGATCC-3'
Protein context (NP_004406.2, residues 2378-2398): IDPKESHRLP[Val2388Ala]DIAYKRGYFN